The following is an entry in ClinVar:

NM_012330.4(KAT6B):c.4353A>C (p.Glu1451Asp)

Gene: KAT6B (lysine acetyltransferase 6B; plus strand). Cytogenetic location: 10q22.2.
Variant type: single nucleotide variant.
Coding change: c.4353A>C on transcript NM_012330.4 (MANE Select); coding-DNA position 4353, A replaced by C.
Protein change: p.Glu1451Asp; replaces glutamic acid 1451 with aspartic acid.
Molecular consequence: missense variant.
Genome position (GRCh38, 1-based): chr10:75,029,177, A>C. VCF-style: chr10-75029177-A-C. GRCh37 (hg19) VCF-style: chr10-76788935-A-C.
Other names: c.3477A>C, p.Glu1159Asp (NM_001370142.1, NM_001256469.2, NM_001370139.1 and 2 more transcripts); c.3288A>C, p.Glu1096Asp (NM_001370143.1, NM_001370144.1); c.3804A>C, p.Glu1268Asp (NM_001256468.2, NM_001370138.1); c.3315A>C, p.Glu1105Asp (NM_001370132.1); c.2664A>C, p.Glu888Asp (NM_001370133.1); c.2268A>C, p.Glu756Asp (NM_001370134.1); c.2010A>C, p.Glu670Asp (NM_001370135.1); c.4353A>C, p.Glu1451Asp (NM_001370136.1, NM_001370137.1); short protein forms E1096D, E1105D, E1268D, E670D, E1159D, E888D, E1451D, E756D.
Identifiers: ClinVar variation 4622462 (VCV004622462.2).

ClinVar aggregate classification (germline): Conflicting classifications of pathogenicity. Review status: criteria provided, conflicting classifications (1 of 4 stars). 2 submissions from 2 submitters: Uncertain significance (1); Likely benign (1). Last evaluated 2026-07-01.

Conditions:
Inborn genetic diseases. Identifiers: MedGen C0950123, MeSH D030342.

gnomAD v4.1: 4 of 1,614,046 alleles (0.00025%); highest among the groups gnomAD compares: Non-Finnish European, 0.00034%; no homozygotes.

Submissions (2):

CeGaT Center for Human Genetics Tuebingen
Classification: Likely benign. Last evaluated: 2026-07-01. Review status: criteria provided, single submitter. Criteria: CeGaT Center For Human Genetics Tuebingen Variant Classification Criteria Version 2. Collection method: clinical testing. Allele origin: germline. Affected: yes. Observed: 1 variant allele.
Comment: KAT6B: BP4

Ambry Genetics
Classification: Uncertain significance for Inborn genetic diseases. Last evaluated: 2025-10-24. Review status: criteria provided, single submitter. Criteria: Ambry Variant Classification Scheme 2023. Collection method: clinical testing. Allele origin: germline.